The following is an entry in ClinVar:

ClinVar aggregate classification (germline): Uncertain significance. Review status: criteria provided, multiple submitters, no conflicts (2 of 4 stars). 2 submissions from 2 submitters: Uncertain significance (2). Last evaluated 2025-02-06.

Conditions:
Schuurs-Hoeijmakers syndrome. Also called: PACS1-Related Neurodevelopmental Disorder. Identifiers: Orphanet 329224, MedGen C3554343, MONDO:0014006, OMIM 615009.
Inborn genetic diseases. Identifiers: MedGen C0950123, MeSH D030342.

Allele frequency attached by ClinVar (database versions not stated): gnomAD exomes below 0.00001.
gnomAD v4.1: 2 of 1,614,130 alleles (0.00012%); highest among the groups gnomAD compares: South Asian, 0.0011%; no homozygotes.

Submissions (2):

Labcorp Genetics (formerly Invitae), Labcorp
Classification: Uncertain significance for Schuurs-Hoeijmakers syndrome. Last evaluated: 2025-02-06. Review status: criteria provided, single submitter. Criteria: Invitae Variant Classification Sherloc (09022015). Collection method: clinical testing. Allele origin: germline.
Comment: This sequence change replaces glutamic acid, which is acidic and polar, with lysine, which is basic and polar, at codon 532 of the PACS1 protein (p.Glu532Lys). This variant is present in population databases (rs768985045, gnomAD 0.0009%). This variant has not been reported in the literature in individuals affected with PACS1-related conditions. ClinVar contains an entry for this variant (Variation ID: 588824). Invitae Evidence Modeling of protein sequence and biophysical properties (such as structural, functional, and spatial information, amino acid conservation, physicochemical variation, residue mobility, and thermodynamic stability) indicates that this missense variant is not expected to disrupt PACS1 protein function with a negative predictive value of 80%. In summary, the available evidence is currently insufficient to determine the role of this variant in disease. Therefore, it has been classified as a Variant of Uncertain Significance.

Ambry Genetics
Classification: Uncertain significance for Inborn genetic diseases. Last evaluated: 2017-02-21. Review status: criteria provided, single submitter. Criteria: Ambry Variant Classification Scheme 2023. Collection method: clinical testing. Allele origin: germline.
Comment: The p.E532K variant (also known as c.1594G>A), located in coding exon 13 of the PACS1 gene, results from a G to A substitution at nucleotide position 1594. The glutamic acid at codon 532 is replaced by lysine, an amino acid with similar properties. This amino acid position is well conserved in available vertebrate species. In addition, the in silico prediction for this alteration is inconclusive. Since supporting evidence is limited at this time, the clinical significance of this alteration remains unclear.

NM_018026.4(PACS1):c.1594G>A (p.Glu532Lys)

Gene: PACS1 (phosphofurin acidic cluster sorting protein 1; plus strand). Cytogenetic location: 11q13.2.
Variant type: single nucleotide variant.
Coding change: c.1594G>A on transcript NM_018026.4 (MANE Select); coding-DNA position 1594, G replaced by A.
Protein change: p.Glu532Lys; replaces glutamic acid 532 with lysine.
Molecular consequence: missense variant.
Genome position (GRCh38, 1-based): chr11:66,230,908, G>A. VCF-style: chr11-66230908-G-A. GRCh37 (hg19) VCF-style: chr11-65998379-G-A.
Other names: short protein forms E532K.
Identifiers: ClinVar variation 588824 (VCV000588824.6), dbSNP rs768985045, ClinGen allele CA224033075.